The following is an entry in ClinVar:

NM_001753.5(CAV1):c.329C>T (p.Pro110Leu)

Gene: CAV1 (caveolin 1; plus strand). Cytogenetic location: 7q31.2.
Variant type: single nucleotide variant.
Coding change: c.329C>T on transcript NM_001753.5 (MANE Select); coding-DNA position 329, C replaced by T.
Protein change: p.Pro110Leu; replaces proline 110 with leucine.
Molecular consequence: missense variant.
Genome position (GRCh38, 1-based): chr7:116,559,079, C>T. VCF-style: chr7-116559079-C-T. GRCh37 (hg19) VCF-style: chr7-116199133-C-T.
Other names: c.236C>T, p.Pro79Leu (NM_001172895.1, NM_001172896.2, NM_001172897.2); short protein forms P110L, P79L.
Identifiers: ClinVar variation 1050597 (VCV001050597.1), dbSNP rs1203265205, ClinGen allele CA369117254.

ClinVar aggregate classification (germline): Uncertain significance (0 of 4 stars; one submission).

Allele frequency attached by ClinVar (database versions not stated): gnomAD exomes below 0.00001; gnomAD 0.00001.
gnomAD v4.1: 6 of 1,613,660 alleles (0.00037%); highest among the groups gnomAD compares: South Asian, 0.0022%; no homozygotes.

Submission:

Department of Pathology and Laboratory Medicine, Sinai Health System
Classification: Uncertain significance. Review status: no assertion criteria provided. Collection method: clinical testing. Allele origin: unknown. Affected: yes. Study: The Canadian Open Genetics Repository (COGR).
Comment: The CAV1 p.P110L variant was not identified in the literature nor was it identified in ClinVar. The variant was identified in dbSNP (ID: rs1203265205) and in control databases in 2 of 282474 chromosomes at a frequency of 0.000007080 (Genome Aggregation Database March 6, 2019, v2.1.1). The p.P110 residue is conserved in mammals and computational analyses (MUT Assesor, SIFT, MutationTaster, Revel, FATHMM, MetaLR, DANN) suggest that the variant may impact the protein; however, this information is not predictive enough to assume pathogenicity. The variant occurs outside of the splicing consensus sequence and in silico or computational prediction software programs (Splice AI exome) do not predict a difference in splicing. In summary, based on the above information the clinical significance of this variant cannot be determined with certainty at this time. This variant is classified as a variant of uncertain significance.